The following is an entry in ClinVar:

NM_018389.5(SLC35C1):c.983T>G (p.Met328Arg)

Gene: SLC35C1 (solute carrier family 35 member C1; plus strand). Cytogenetic location: 11p11.2.
Variant type: single nucleotide variant.
Coding change: c.983T>G on transcript NM_018389.5 (MANE Select); coding-DNA position 983, T replaced by G.
Protein change: p.Met328Arg; replaces methionine 328 with arginine.
Molecular consequence: missense variant.
Genome position (GRCh38, 1-based): chr11:45,811,223, T>G. VCF-style: chr11-45811223-T-G. GRCh37 (hg19) VCF-style: chr11-45832774-T-G.
Other names: c.944T>G, p.Met315Arg (NM_001145265.2, NM_001145266.2); short protein forms M315R, M328R.
Identifiers: ClinVar variation 946103 (VCV000946103.9), dbSNP rs764394629, ClinGen allele CA380207078.

ClinVar aggregate classification (germline): Uncertain significance (1 of 4 stars; one submission).

Conditions:
Leukocyte adhesion deficiency type II. Also called: CONGENITAL DISORDER OF GLYCOSYLATION, TYPE IIc; CDG IIc; Congenital disorder of glycosylation type 2C; CDG 2C; Leukocyte adhesion deficiency type 2; Rambam Hasharon syndrome. Identifiers: Orphanet 2968, Orphanet 99843, MedGen C0398739, MONDO:0009953, OMIM 266265.

Submission:

Labcorp Genetics (formerly Invitae), Labcorp
Classification: Uncertain significance for Leukocyte adhesion deficiency type II. Last evaluated: 2024-10-07. Review status: criteria provided, single submitter. Criteria: Invitae Variant Classification Sherloc (09022015). Collection method: clinical testing. Allele origin: germline.
Comment: This sequence change replaces methionine, which is neutral and non-polar, with arginine, which is basic and polar, at codon 328 of the SLC35C1 protein (p.Met328Arg). This variant is not present in population databases (gnomAD no frequency). This variant has not been reported in the literature in individuals affected with SLC35C1-related conditions. ClinVar contains an entry for this variant (Variation ID: 946103). Invitae Evidence Modeling of protein sequence and biophysical properties (such as structural, functional, and spatial information, amino acid conservation, physicochemical variation, residue mobility, and thermodynamic stability) indicates that this missense variant is not expected to disrupt SLC35C1 protein function with a negative predictive value of 80%. In summary, the available evidence is currently insufficient to determine the role of this variant in disease. Therefore, it has been classified as a Variant of Uncertain Significance.